The following is an entry in ClinVar:

NM_152564.5(VPS13B):c.3160A>T (p.Lys1054Ter)

Gene: VPS13B (vacuolar protein sorting 13 homolog B; plus strand). Cytogenetic location: 8q22.2.
Variant type: single nucleotide variant.
Coding change: c.3160A>T on transcript NM_152564.5 (MANE Select); coding-DNA position 3160, A replaced by T.
Protein change: p.Lys1054Ter; replaces lysine 1054 with a stop codon.
Molecular consequence: nonsense.
Genome position (GRCh38, 1-based): chr8:99,431,614, A>T. VCF-style: chr8-99431614-A-T. GRCh37 (hg19) VCF-style: chr8-100443842-A-T.
Other names: c.3160A>T, p.Lys1054Ter (NM_017890.5); short protein forms K1054*.
Identifiers: ClinVar variation 1724096 (VCV001724096.3), dbSNP rs2490099465, ClinGen allele CA371868202.
Genomic context (GRCh38, chr8:99,431,614, plus strand): 5'-GTTCCTGTTAAAGCCATGTTGAATATATCTGAAAGCTGTAGAAGTCCTGAAGAAAGAATG[A>T]AGGAATTTATTGGAATTGTTTGGAATGCAGTGAAGCATCTCACACTACAGGTAAAATAAA-3'

ClinVar aggregate classification (germline): Likely pathogenic. Review status: criteria provided, multiple submitters, no conflicts (2 of 4 stars). 2 submissions from 2 submitters: Likely pathogenic (2). Last evaluated 2024-05-16.

Conditions:
Cohen syndrome (COH1). Also called: PEPPER SYNDROME; Cutis verticis gyrata, retinitis pigmentosa, and sensorineural deafness. Identifiers: Orphanet 193, MedGen C0265223, MONDO:0008999, OMIM 216550.

Submissions (2):

Fulgent Genetics
Classification: Likely pathogenic for Cohen syndrome. Last evaluated: 2024-05-16. Review status: criteria provided, single submitter. Criteria: ACMG Guidelines, 2015. Collection method: clinical testing. Allele origin: germline.

Myriad Genetics, Inc.
Classification: Likely pathogenic for Cohen syndrome. Last evaluated: 2022-01-25. Review status: criteria provided, single submitter. Criteria: Myriad Women's Health Autosomal Recessive and X-Linked Classification Criteria (2021). Collection method: clinical testing. Allele origin: unknown.
Comment: NM_017890.4(VPS13B):c.3160A>T(K1054*) is expected to be pathogenic in the context of Cohen syndrome. This variant is predicted to lead to an abnormal or absent protein product due to the creation of a premature termination codon in VPS13B, a gene where loss-of-function variants are known to be pathogenic. Please note: this variant was assessed in the context of healthy population screening.